The following is an entry in ClinVar:

NM_016335.6(PRODH):c.268G>A (p.Glu90Lys)

Gene: PRODH (proline dehydrogenase 1; minus strand). Cytogenetic location: 22q11.21.
Variant type: single nucleotide variant.
Coding change: c.268G>A on transcript NM_016335.6 (MANE Select); coding-DNA position 268, G replaced by A.
Protein change: p.Glu90Lys; replaces glutamic acid 90 with lysine.
Molecular consequence: missense variant. On other transcripts: intron variant (1).
Genome position (GRCh38, 1-based): chr22:18,936,020, C>T on the plus strand (G>A on the coding strand, the complement: PRODH is on the minus strand). VCF-style: chr22-18936020-C-T. GRCh37 (hg19) VCF-style: chr22-18923533-C-T.
Other names: c.-52+370G>A (NM_001195226.2); short protein forms E90K.
Identifiers: ClinVar variation 1371336 (VCV001371336.9), dbSNP rs1023813331, ClinGen allele CA321322567.

ClinVar aggregate classification (germline): Uncertain significance. Review status: criteria provided, multiple submitters, no conflicts (2 of 4 stars). 2 submissions from 2 submitters: Uncertain significance (2). Last evaluated 2022-02-02.

Conditions:
Proline dehydrogenase deficiency (HYRPRO1). Also called: PROLINE OXIDASE DEFICIENCY; Hyperprolinemia type 1. Identifiers: Orphanet 419, MedGen C0268529, MONDO:0009400, OMIM 239500.
Schizophrenia 4 (SCZD4). Also called: SCHIZOPHRENIA SUSCEPTIBILITY LOCUS, CHROMOSOME 22q11-RELATED; SCHIZOPHRENIA, SUSCEPTIBILITY TO, 4. Identifiers: MedGen C1833247, MONDO:0010943, OMIM 600850.

Submissions (2):

Fulgent Genetics
Classification: Uncertain significance for Proline dehydrogenase deficiency; Schizophrenia 4. Last evaluated: 2022-02-02. Review status: criteria provided, single submitter. Criteria: ACMG Guidelines, 2015. Collection method: clinical testing. Allele origin: unknown.

Labcorp Genetics (formerly Invitae), Labcorp
Classification: Uncertain significance for Proline dehydrogenase deficiency. Last evaluated: 2020-12-30. Review status: criteria provided, single submitter. Criteria: Invitae Variant Classification Sherloc (09022015). Collection method: clinical testing. Allele origin: germline.
Comment: In summary, the available evidence is currently insufficient to determine the role of this variant in disease. Therefore, it has been classified as a Variant of Uncertain Significance. Algorithms developed to predict the effect of missense changes on protein structure and function (SIFT, PolyPhen-2, Align-GVGD) all suggest that this variant is likely to be tolerated, but these predictions have not been confirmed by published functional studies and their clinical significance is uncertain. This variant has not been reported in the literature in individuals with PRODH-related conditions. The frequency data for this variant in the population databases is considered unreliable, as metrics indicate insufficient coverage at this position in the ExAC database. This sequence change replaces glutamic acid with lysine at codon 90 of the PRODH protein (p.Glu90Lys). The glutamic acid residue is weakly conserved and there is a small physicochemical difference between glutamic acid and lysine.